The following is an entry in ClinVar:

NM_001031710.3(KLHL7):c.442+630A>G

Gene: KLHL7 (kelch like family member 7; plus strand). Cytogenetic location: 7p15.3.
Variant type: single nucleotide variant.
Coding change: c.442+630A>G on transcript NM_001031710.3 (MANE Select); 630 bases into the intron after coding-DNA position 442, A replaced by G.
Molecular consequence: intron variant. On other transcripts: missense variant (1), non-coding transcript variant (1).
Genome position (GRCh38, 1-based): chr7:23,125,802, A>G. VCF-style: chr7-23125802-A-G. GRCh37 (hg19) VCF-style: chr7-23165421-A-G.
Other names: c.484A>G, p.Met162Val (NM_001172428.2); c.298+630A>G (NM_018846.5); short protein forms M162V.
Identifiers: ClinVar variation 4986467 (VCV004986467.1).

ClinVar aggregate classification (germline): Uncertain significance (1 of 4 stars; one submission).

Conditions:
KLHL7-related disorder. Also called: KLHL7-related condition; KLHL7-related disorders.

gnomAD v4.1: 10 of 1,546,664 alleles (0.00065%); highest among the groups gnomAD compares: African/African-American, 0.0096%; no homozygotes.

Submission:

PreventionGenetics, part of Exact Sciences
Classification: Uncertain significance for KLHL7-related condition. Last evaluated: 2025-02-02. Review status: criteria provided, single submitter. Criteria: ACMG Guidelines, 2015. Collection method: clinical testing. Allele origin: germline.
Comment: The KLHL7 c.484A>G variant is predicted to result in the amino acid substitution p.Met162Val. To our knowledge, this variant has not been reported in the literature. This variant is present in 0.013% of alleles in individuals of African descent in gnomAD. At this time, the clinical significance of this variant is uncertain due to the absence of conclusive functional and genetic evidence.